The following is an entry in ClinVar:

ClinVar aggregate classification (germline): Uncertain significance. Review status: criteria provided, multiple submitters, no conflicts (2 of 4 stars). 3 submissions from 3 submitters: Uncertain significance (3). Last evaluated 2026-09-23.

Submissions (3):

GeneDx
Classification: Uncertain significance. Last evaluated: 2026-09-23. Review status: criteria provided, single submitter. Criteria: GeneDx Variant Classification Process June 2021. Collection method: clinical testing. Allele origin: germline.
Comment: Not observed at significant frequency in large population cohorts (gnomAD); In silico analysis supports a deleterious effect on splicing; Has not been previously published as pathogenic or benign to our knowledge

Women's Health and Genetics/Laboratory Corporation of America, LabCorp
Classification: Uncertain significance. Last evaluated: 2025-04-07. Review status: criteria provided, single submitter. Criteria: LabCorp Variant Classification Summary - May 2015. Collection method: clinical testing. Allele origin: germline.
Comment: Variant summary: TTN c.31054_31055delinsAG (p.Ser10352Arg) results in a non-conservative amino acid change in the encoded protein sequence. One of two in-silico tools predict a benign effect of the variant on protein function. The variant allele was found at a frequency of 3.2e-05 in 31320 control chromosomes. The available data on variant occurrences in the general population are insufficient to allow any conclusion about variant significance. To our knowledge, no occurrence of c.31054_31055delinsAG in individuals affected with TTN-related conditions and no experimental evidence demonstrating its impact on protein function have been reported. ClinVar contains an entry for this variant (Variation ID: 1213479). Based on the evidence outlined above, the variant was classified as uncertain significance.

Revvity Omics, Revvity
Classification: Uncertain significance. Last evaluated: 2023-11-03. Review status: criteria provided, single submitter. Criteria: ACMG Guidelines, 2015. Collection method: clinical testing. Allele origin: germline.

NM_001267550.2(TTN):c.34957_34958delinsAG (p.Ser11653Arg)

Gene: TTN (titin; minus strand). Cytogenetic location: 2q31.2.
Variant type: Indel.
Coding change: c.34957_34958delinsAG on transcript NM_001267550.2 (MANE Select); coding-DNA positions 34957 to 34958, TC replaced by AG.
Protein change: p.Ser11653Arg; replaces serine 11653 with arginine.
Molecular consequence: missense variant. On other transcripts: intron variant (3).
Genome position (GRCh38, 1-based): chr2:178,672,240-178,672,241, GA replaced by CT on the plus strand (TC replaced by AG on the coding strand, the reverse complement: TTN is on the minus strand). VCF-style: chr2-178672240-GA-CT. GRCh37 (hg19) VCF-style: chr2-179536967-GA-CT.
Other names: c.33835_33836delinsAG, p.Ser11279Arg (NM_001256850.1); c.31054_31055delinsAG, p.Ser10352Arg (NM_133378.4); c.13283-29924_13283-29923delinsAG (NM_003319.4); c.13859-29924_13859-29923delinsAG (NM_133437.4); c.13658-29924_13658-29923delinsAG (NM_133432.3); c.34957_34958delinsAG (NM_001267550.1); short protein forms S10352R, S11279R, S11653R.
Identifiers: ClinVar variation 1213479 (VCV001213479.7), dbSNP rs2154265084, ClinGen allele CA2499215464.